The following is an entry in ClinVar:

NM_001005361.3(DNM2):c.454A>G (p.Ile152Val)

Gene: DNM2 (dynamin 2; plus strand). Cytogenetic location: 19p13.2.
Variant type: single nucleotide variant.
Coding change: c.454A>G on transcript NM_001005361.3 (MANE Select); coding-DNA position 454, A replaced by G.
Protein change: p.Ile152Val; replaces isoleucine 152 with valine.
Molecular consequence: missense variant.
Genome position (GRCh38, 1-based): chr19:10,775,771, A>G. VCF-style: chr19-10775771-A-G. GRCh37 (hg19) VCF-style: chr19-10886447-A-G.
Other names: c.454A>G, p.Ile152Val (NM_001005360.3, NM_001005362.3, NM_001190716.2 and 1 more transcripts); short protein forms I152V.
Identifiers: ClinVar variation 2915906 (VCV002915906.3), dbSNP rs2513152954, ClinGen allele CA404042593.

ClinVar aggregate classification (germline): Uncertain significance (1 of 4 stars; one submission).

Conditions:
Charcot-Marie-Tooth disease dominant intermediate B (CMTDIB). Also called: CHARCOT-MARIE-TOOTH NEUROPATHY, DOMINANT INTERMEDIATE B; Charcot-Marie-Tooth disease dominant intermediate 1; CMT DI1; Charcot-Marie-Tooth disease dominant intermediate I. Identifiers: Orphanet 100044, Orphanet 228179, MedGen C1847902, MONDO:0011674, OMIM 606482.

Allele frequency attached by ClinVar (database versions not stated): gnomAD exomes 0.00001.
gnomAD v4.1: 10 of 1,614,138 alleles (0.00062%); highest among the groups gnomAD compares: Non-Finnish European, 0.00085%; no homozygotes.

Submission:

Labcorp Genetics (formerly Invitae), Labcorp
Classification: Uncertain significance for Charcot-Marie-Tooth disease dominant intermediate B. Last evaluated: 2024-03-01. Review status: criteria provided, single submitter. Criteria: Invitae Variant Classification Sherloc (09022015). Collection method: clinical testing. Allele origin: germline.
Comment: This sequence change replaces isoleucine, which is neutral and non-polar, with valine, which is neutral and non-polar, at codon 152 of the DNM2 protein (p.Ile152Val). This variant is not present in population databases (gnomAD no frequency). This variant has not been reported in the literature in individuals affected with DNM2-related conditions. Advanced modeling of protein sequence and biophysical properties (such as structural, functional, and spatial information, amino acid conservation, physicochemical variation, residue mobility, and thermodynamic stability) has been performed at Invitae for this missense variant, however the output from this modeling did not meet the statistical confidence thresholds required to predict the impact of this variant on DNM2 protein function. In summary, the available evidence is currently insufficient to determine the role of this variant in disease. Therefore, it has been classified as a Variant of Uncertain Significance.